The following is an entry in ClinVar:

ClinVar aggregate classification (germline): Uncertain significance (1 of 4 stars; one submission).

Submission:

GeneDx
Classification: Uncertain significance. Last evaluated: 2023-11-11. Review status: criteria provided, single submitter. Criteria: GeneDx Variant Classification Process June 2021. Collection method: clinical testing. Allele origin: germline. Affected: yes.
Comment: Not observed at significant frequency in large population cohorts (gnomAD); In silico analysis supports that this missense variant does not alter protein structure/function; Has not been previously published as pathogenic or benign to our knowledge

NM_000834.5(GRIN2B):c.2849A>G (p.Asn950Ser)

Gene: GRIN2B (glutamate ionotropic receptor NMDA type subunit 2B; minus strand). Cytogenetic location: 12p13.1.
Variant type: single nucleotide variant.
Coding change: c.2849A>G on transcript NM_000834.5 (MANE Select); coding-DNA position 2849, A replaced by G.
Protein change: p.Asn950Ser; replaces asparagine 950 with serine.
Molecular consequence: missense variant.
Genome position (GRCh38, 1-based): chr12:13,564,389, T>C on the plus strand (A>G on the coding strand, the complement: GRIN2B is on the minus strand). VCF-style: chr12-13564389-T-C. GRCh37 (hg19) VCF-style: chr12-13717323-T-C.
Other names: c.2849A>G, p.Asn950Ser (NM_001413992.1); short protein forms N950S.
Identifiers: ClinVar variation 3364163 (VCV003364163.1).